The following is an entry in ClinVar:

NM_016203.4(PRKAG2):c.683C>G (p.Ala228Gly)

Gene: PRKAG2 (protein kinase AMP-activated non-catalytic subunit gamma 2; minus strand). Cytogenetic location: 7q36.1.
Variant type: single nucleotide variant.
Coding change: c.683C>G on transcript NM_016203.4 (MANE Select); coding-DNA position 683, C replaced by G.
Protein change: p.Ala228Gly; replaces alanine 228 with glycine.
Molecular consequence: missense variant.
Genome position (GRCh38, 1-based): chr7:151,675,421, G>C on the plus strand (C>G on the coding strand, the complement: PRKAG2 is on the minus strand). VCF-style: chr7-151675421-G-C. GRCh37 (hg19) VCF-style: chr7-151372507-G-C.
Other names: c.551C>G, p.Ala184Gly (NM_001040633.2, NM_001407024.1, NM_001407026.1 and 1 more transcripts); c.311C>G, p.Ala104Gly (NM_001304527.2, NM_001363698.2, NM_001407028.1 and 1 more transcripts); c.683C>G, p.Ala228Gly (NM_001407021.1, NM_001407022.1, NM_001407023.1); c.365C>G, p.Ala122Gly (NM_001407032.1); short protein forms A122G, A228G, A104G, A184G.
Identifiers: ClinVar variation 1755728 (VCV001755728.2), dbSNP rs1375922839, ClinGen allele CA370186635.

ClinVar aggregate classification (germline): Uncertain significance (1 of 4 stars; one submission).

Conditions:
Cardiovascular phenotype. Identifiers: MedGen CN230736.

Submission:

Ambry Genetics
Classification: Uncertain significance for Cardiovascular phenotype. Last evaluated: 2022-08-24. Review status: criteria provided, single submitter. Criteria: Ambry Variant Classification Scheme 2023. Collection method: clinical testing. Allele origin: germline.
Comment: The p.A228G variant (also known as c.683C>G), located in coding exon 4 of the PRKAG2 gene, results from a C to G substitution at nucleotide position 683. The alanine at codon 228 is replaced by glycine, an amino acid with similar properties. This amino acid position is conserved. In addition, this alteration is predicted to be tolerated by in silico analysis. Since supporting evidence is limited at this time, the clinical significance of this alteration remains unclear.